The following is an entry in ClinVar:

NM_002471.4(MYH6):c.1520T>C (p.Ile507Thr)

Gene: MYH6 (myosin heavy chain 6; minus strand). Cytogenetic location: 14q11.2.
Variant type: single nucleotide variant.
Coding change: c.1520T>C on transcript NM_002471.4 (MANE Select); coding-DNA position 1520, T replaced by C.
Protein change: p.Ile507Thr; replaces isoleucine 507 with threonine.
Molecular consequence: missense variant.
Genome position (GRCh38, 1-based): chr14:23,400,317, A>G on the plus strand (T>C on the coding strand, the complement: MYH6 is on the minus strand). VCF-style: chr14-23400317-A-G. GRCh37 (hg19) VCF-style: chr14-23869526-A-G.
Other names: short protein forms I507T.
Identifiers: ClinVar variation 264253 (VCV000264253.10), dbSNP rs188023690, ClinGen allele CA7115789.

ClinVar aggregate classification (germline): Uncertain significance. Review status: criteria provided, multiple submitters, no conflicts (2 of 4 stars). 4 submissions from 4 submitters: Uncertain significance (4). Last evaluated 2024-07-14.

Conditions:
Sick sinus syndrome 3, susceptibility to (SSS3). Identifiers: Orphanet 166282, MedGen C3279791, MONDO:0013568, OMIM 614090.
Hypertrophic cardiomyopathy 1 (CMH1). Also called: MYH7-Related Familial Hypertrophic Cardiomyopathy; Familial hypertrophic cardiomyopathy 1. Identifiers: MedGen C3495498, MONDO:0008647, OMIM 192600.
Dilated cardiomyopathy 1EE (CMD1EE). Identifiers: Orphanet 154, MedGen C2750466, MONDO:0013198, OMIM 613252.
Hypertrophic cardiomyopathy 14. Identifiers: MedGen C2750467, MONDO:0013197, OMIM 613251.
Atrial septal defect 3 (ASD3). Identifiers: Orphanet 1478, MedGen C3279790, MONDO:0013567, OMIM 614089.
Cardiovascular phenotype. Identifiers: MedGen CN230736.

Allele frequency attached by ClinVar (database versions not stated): ExAC 0.00001; gnomAD 0.00001; gnomAD exomes 0.00001 and 0.00002; 1000 Genomes Project 30x 0.00016; 1000 Genomes Project 0.00020.
gnomAD v4.1: 17 of 1,614,182 alleles (0.0011%); highest among the groups gnomAD compares: South Asian, 0.0077%; no homozygotes.

Submissions (4):

Labcorp Genetics (formerly Invitae), Labcorp
Classification: Uncertain significance for Hypertrophic cardiomyopathy 14. Last evaluated: 2024-07-14. Review status: criteria provided, single submitter. Criteria: Invitae Variant Classification Sherloc (09022015). Collection method: clinical testing. Allele origin: germline.
Comment: This sequence change replaces isoleucine, which is neutral and non-polar, with threonine, which is neutral and polar, at codon 507 of the MYH6 protein (p.Ile507Thr). This variant is present in population databases (rs188023690, gnomAD 0.007%). This variant has not been reported in the literature in individuals affected with MYH6-related conditions. ClinVar contains an entry for this variant (Variation ID: 264253). Advanced modeling of protein sequence and biophysical properties (such as structural, functional, and spatial information, amino acid conservation, physicochemical variation, residue mobility, and thermodynamic stability) performed at Invitae indicates that this missense variant is expected to disrupt MYH6 protein function with a positive predictive value of 80%. In summary, the available evidence is currently insufficient to determine the role of this variant in disease. Therefore, it has been classified as a Variant of Uncertain Significance.

Fulgent Genetics
Classification: Uncertain significance for Hypertrophic cardiomyopathy 1; Hypertrophic cardiomyopathy 14; Dilated cardiomyopathy 1EE; Atrial septal defect 3; Sick sinus syndrome 3, susceptibility to. Last evaluated: 2021-10-18. Review status: criteria provided, single submitter. Criteria: ACMG Guidelines, 2015. Collection method: clinical testing. Allele origin: unknown.

GeneDx
Classification: Uncertain significance. Last evaluated: 2019-05-17. Review status: criteria provided, single submitter. Criteria: GeneDx Variant Classification Process June 2021. Collection method: clinical testing. Allele origin: germline. Affected: yes.
Comment: Has not been previously published as pathogenic or benign to our knowledge; Reported in ClinVar as a variant of uncertain significance but additional evidence is not available (ClinVar Variant ID# 264253; Landrum et al., 2016); Not observed at a significant frequency in large population cohorts (Lek et al., 2016); In silico analysis, which includes protein predictors and evolutionary conservation, supports a deleterious effect

Ambry Genetics
Classification: Uncertain significance for Cardiovascular phenotype. Last evaluated: 2015-08-12. Review status: criteria provided, single submitter. Criteria: Ambry Variant Classification Scheme 2023. Collection method: clinical testing. Allele origin: germline.
Comment: The p.I507T variant (also known as c.1520T>C), located in coding exon 12 of the MYH6 gene, results from a T to C substitution at nucleotide position 1520. The isoleucine at codon 507 is replaced by threonine, an amino acid with some similar properties. This amino acid position is highly conserved in available vertebrate species. In addition, this alteration is predicted to be deleterious by in silico analysis. Since supporting evidence is limited at this time, the clinical significance of this alteration remains unclear.